The following is an entry in ClinVar:

NM_015330.6(SPECC1L):c.2818A>C (p.Thr940Pro)

Genes: SPECC1L (sperm antigen with calponin homology and coiled-coil domains 1 like; plus strand), SPECC1L-ADORA2A (SPECC1L-ADORA2A readthrough (NMD candidate); plus strand). Cytogenetic location: 22q11.23.
Variant type: single nucleotide variant.
Coding change: c.2818A>C on transcript NM_015330.6 (MANE Select); coding-DNA position 2818, A replaced by C.
Protein change: p.Thr940Pro; replaces threonine 940 with proline.
Molecular consequence: missense variant. On other transcripts: non-coding transcript variant (1).
Genome position (GRCh38, 1-based): chr22:24,363,335, A>C. VCF-style: chr22-24363335-A-C. GRCh37 (hg19) VCF-style: chr22-24759303-A-C.
Other names: c.2818A>C, p.Thr940Pro (NM_001145468.4, NM_001254732.3); c.16A>C, p.Thr6Pro (NM_001254733.2); short protein forms T940P, T6P.
Identifiers: ClinVar variation 4726506 (VCV004726506.1).

ClinVar aggregate classification (germline): Uncertain significance (1 of 4 stars; one submission).

Submission:

Labcorp Genetics (formerly Invitae), Labcorp
Classification: Uncertain significance. Last evaluated: 2025-09-02. Review status: criteria provided, single submitter. Criteria: Invitae Variant Classification Sherloc (09022015). Collection method: clinical testing. Allele origin: germline.
Comment: This sequence change replaces threonine, which is neutral and polar, with proline, which is neutral and non-polar, at codon 940 of the SPECC1L protein (p.Thr940Pro). This variant is not present in population databases (gnomAD no frequency). This variant has not been reported in the literature in individuals affected with SPECC1L-related conditions. An algorithm developed to predict the effect of missense changes on protein structure and function (PolyPhen-2) suggests that this variant is likely to be tolerated. In summary, the available evidence is currently insufficient to determine the role of this variant in disease. Therefore, it has been classified as a Variant of Uncertain Significance.